The following is an entry in ClinVar:

ClinVar aggregate classification (germline): Conflicting classifications of pathogenicity. Review status: criteria provided, conflicting classifications (1 of 4 stars). 5 submissions from 5 submitters: Likely pathogenic (1); Uncertain significance (4). Last evaluated 2025-09-23.

Conditions:
Ehlers-Danlos syndrome, classic type, 1 (EDSCL1). Also called: EHLERS-DANLOS SYNDROME, GRAVIS TYPE; EHLERS-DANLOS SYNDROME, SEVERE CLASSIC TYPE; Ehlers-Danlos syndrome, type 1; Ehlers-Danlos Syndrome, Classic Type, COL5A1-Related; EDS I. Identifiers: MedGen C0268335, MONDO:0019567, OMIM 130000.

Allele frequency attached by ClinVar (database versions not stated): TOPMed below 0.00001; gnomAD exomes 0.00001.
gnomAD v4.1: 19 of 1,613,364 alleles (0.0012%); highest among the groups gnomAD compares: Non-Finnish European, 0.0015%; no homozygotes.

Submissions (5):

Labcorp Genetics (formerly Invitae), Labcorp
Classification: Uncertain significance for Ehlers-Danlos syndrome, classic type, 1. Last evaluated: 2025-09-23. Review status: criteria provided, single submitter. Criteria: Invitae Variant Classification Sherloc (09022015). Collection method: clinical testing. Allele origin: germline.
Comment: This sequence change replaces glycine, which is neutral and non-polar, with serine, which is neutral and polar, at codon 997 of the COL5A1 protein (p.Gly997Ser). This variant is not present in population databases (gnomAD no frequency). This variant has not been reported in the literature in individuals affected with COL5A1-related conditions. ClinVar contains an entry for this variant (Variation ID: 212953). Invitae Evidence Modeling of protein sequence and biophysical properties (such as structural, functional, and spatial information, amino acid conservation, physicochemical variation, residue mobility, and thermodynamic stability) indicates that this missense variant is expected to disrupt COL5A1 protein function with a positive predictive value of 80%. This variant disrupts the triple helix domain of COL5A1. Glycine residues within the Gly-Xaa-Yaa repeats of the triple helix domain are required for the structure and stability of fibrillar collagens (PMID: 7695699, 8218237, 19344236), and variants at these glycine residues in COL5A1 are more frequently observed in individuals with disease than in the general population (PMID: 22696272, 23587214). However, the clinical significance of this observation remains uncertain since only a limited number of affected individuals have been described to date. In summary, the available evidence is currently insufficient to determine the role of this variant in disease. Therefore, it has been classified as a Variant of Uncertain Significance.

Blueprint Genetics
Classification: Uncertain significance. Last evaluated: 2024-07-31. Review status: criteria provided, single submitter. Criteria: ACMG Guidelines, 2015. Collection method: clinical testing. Allele origin: germline.

Genomic Medicine Center of Excellence, King Faisal Specialist Hospital and Research Centre
Classification: Uncertain significance for Ehlers-Danlos syndrome, classic type, 1. Last evaluated: 2024-03-25. Review status: criteria provided, single submitter. Criteria: ACMG Guidelines, 2015. Collection method: research. Allele origin: germline.

AiLife Diagnostics
Classification: Uncertain significance. Last evaluated: 2022-01-05. Review status: criteria provided, single submitter. Criteria: ACMG Guidelines, 2015. Collection method: clinical testing. Allele origin: germline. Affected: yes. Observed: 2 variant alleles.

GeneDx
Classification: Likely pathogenic. Last evaluated: 2013-02-27. Review status: criteria provided, single submitter. Criteria: GeneDx Variant Classification (06012015). Collection method: clinical testing. Allele origin: germline. Affected: yes.
Comment: p.Gly997Ser (GGC>AGC): c.2989 G>A in exon 38 of the COL5A1 gene (NM_000093.3)The Gly997Ser variant in the COL5A1 gene has not been reported as a disease-causing mutation or as a benign polymorphism to our knowledge. Gly997Ser results in a non-conservative amino acid substitution of a non-polar Glycine with a polar Serine at a position that is well conserved across species. Consequently, in silico analysis predicts Gly997Ser is damaging to the protein structure/function. Furthermore, the Gly997Ser variant was not observed in approximately 6000 individuals of European and African American ancestry in the NHLBI Exome Sequencing Project, indicating it is not a common benign variant in these populations. However, missense mutations in nearby residues have not been reported in association with classic-type EDS, indicating this region of the protein may be tolerant of change. In summary, Gly997Ser is a good candidate for a disease-causing mutation. The pathogenic role for this variant would be further supported if it occurred de novo or if it co-segregates with classic-type EDS/TAAD. This variant was found in TAAD

Literature cited by the submitters: PubMed 7695699 (cited by Labcorp Genetics (formerly Invitae), Labcorp); PubMed 8218237 (cited by Labcorp Genetics (formerly Invitae), Labcorp); PubMed 19344236 (cited by Labcorp Genetics (formerly Invitae), Labcorp); PubMed 22696272 (cited by Labcorp Genetics (formerly Invitae), Labcorp); PubMed 23587214 (cited by Labcorp Genetics (formerly Invitae), Labcorp).

NM_000093.5(COL5A1):c.2989G>A (p.Gly997Ser)

Gene: COL5A1 (collagen type V alpha 1 chain; plus strand). Cytogenetic location: 9q34.3.
Variant type: single nucleotide variant.
Coding change: c.2989G>A on transcript NM_000093.5 (MANE Select); coding-DNA position 2989, G replaced by A.
Protein change: p.Gly997Ser; replaces glycine 997 with serine.
Molecular consequence: missense variant.
Genome position (GRCh38, 1-based): chr9:134,801,990, G>A. VCF-style: chr9-134801990-G-A. GRCh37 (hg19) VCF-style: chr9-137693836-G-A.
Other names: p.G997S:GGC>AGC; c.2989G>A, p.Gly997Ser (NM_001278074.1); short protein forms G997S.
Identifiers: ClinVar variation 212953 (VCV000212953.9), dbSNP rs863223445, ClinGen allele CA324249.
Genomic context (GRCh38, chr9:134,801,990, plus strand): 5'-AGTGCAGTGACTCTCTCTTCACAGGGTTTCCAAGGCAAGACCGGCCCTCCAGGCCCCCCC[G>A]GCGTGGTCGGCCCTCAGGTAAGCTCCAGCCTTCCCAGATTCCATGGGTCACTCGGTGTCA-3'
Protein context (NP_000084.3, residues 987-1007): QGKTGPPGPP[Gly997Ser]VVGPQGPTGE